The following is an entry in ClinVar:

ClinVar aggregate classification (germline): Uncertain significance (1 of 4 stars; one submission).

Allele frequency attached by ClinVar (database versions not stated): ExAC 0.00001.
gnomAD v4.1: 6 of 1,614,008 alleles (0.00037%); highest among the groups gnomAD compares: Admixed American, 0.0017%; no homozygotes.

Submission:

GeneDx
Classification: Uncertain significance. Last evaluated: 2022-02-24. Review status: criteria provided, single submitter. Criteria: GeneDx Variant Classification Process June 2021. Collection method: clinical testing. Allele origin: germline. Affected: yes.
Comment: In silico analysis supports that this missense variant does not alter protein structure/function; Has not been previously published as pathogenic or benign to our knowledge

NM_030632.3(ASXL3):c.4232C>T (p.Pro1411Leu)

Gene: ASXL3 (ASXL transcriptional regulator 3; plus strand). Cytogenetic location: 18q12.1.
Variant type: single nucleotide variant.
Coding change: c.4232C>T on transcript NM_030632.3 (MANE Select); coding-DNA position 4232, C replaced by T.
Protein change: p.Pro1411Leu; replaces proline 1411 with leucine.
Molecular consequence: missense variant.
Genome position (GRCh38, 1-based): chr18:33,744,080, C>T. VCF-style: chr18-33744080-C-T. GRCh37 (hg19) VCF-style: chr18-31324044-C-T.
Other names: short protein forms P1411L.
Identifiers: ClinVar variation 1703375 (VCV001703375.2), dbSNP rs767761454, ClinGen allele CA8934206.